The following is an entry in ClinVar:

ClinVar aggregate classification (germline): Uncertain significance. Review status: criteria provided, multiple submitters, no conflicts (2 of 4 stars). 2 submissions from 2 submitters: Uncertain significance (2). Last evaluated 2025-07-17.

Conditions:
Shprintzen-Goldberg syndrome (SGS). Also called: CRANIOSYNOSTOSIS WITH ARACHNODACTYLY AND ABDOMINAL HERNIAS; SHPRINTZEN-GOLDBERG CRANIOSYNOSTOSIS SYNDROME; Marfanoid disorder with craniosynostosis type 1; Marfanoid craniosynostosis syndrome; Shprintzen-Goldberg marfanoid syndrome. Identifiers: Orphanet 2462, MedGen C1321551, MONDO:0008426, OMIM 182212.

Allele frequency attached by ClinVar (database versions not stated): gnomAD exomes 0.00001; TOPMed 0.00001; gnomAD 0.00001.
gnomAD v4.1: 16 of 1,543,848 alleles (0.001%); highest among the groups gnomAD compares: African/African-American, 0.0014%; no homozygotes.

Submissions (2):

GeneDx
Classification: Uncertain significance. Last evaluated: 2025-07-17. Review status: criteria provided, single submitter. Criteria: GeneDx Variant Classification Process June 2021. Collection method: clinical testing. Allele origin: germline. Affected: yes.
Comment: Not observed at significant frequency in large population cohorts (gnomAD); In silico analysis suggests that this missense variant does not alter protein structure/function; Has not been previously published as pathogenic or benign to our knowledge

Laboratorio de Genetica e Diagnostico Molecular, Hospital Israelita Albert Einstein
Classification: Uncertain significance for Shprintzen-Goldberg syndrome. Last evaluated: 2021-04-22. Review status: criteria provided, single submitter. Criteria: ACMG Guidelines, 2015. Collection method: clinical testing. Allele origin: germline. Affected: yes.
Comment: ACMG classification criteria: PM2

NM_003036.4(SKI):c.2026C>T (p.His676Tyr)

Gene: SKI (SKI proto-oncogene; plus strand). Cytogenetic location: 1p36.32.
Variant type: single nucleotide variant.
Coding change: c.2026C>T on transcript NM_003036.4 (MANE Select); coding-DNA position 2026, C replaced by T.
Protein change: p.His676Tyr; replaces histidine 676 with tyrosine.
Molecular consequence: missense variant.
Genome position (GRCh38, 1-based): chr1:2,306,604, C>T. VCF-style: chr1-2306604-C-T. GRCh37 (hg19) VCF-style: chr1-2238043-C-T.
Other names: c.2026C>T (NM_003036.3); short protein forms H676Y.
Identifiers: ClinVar variation 1683601 (VCV001683601.3), dbSNP rs1376096484, ClinGen allele CA337959579.
Genomic context (GRCh38, chr1:2,306,604, plus strand): 5'-GCAGGCGCCGCTGACCACTCGGCTCCCTTTCAGATCGAAGACCTGCAGGTGAAGCTGCAG[C>T]ACGCGGAGGCGGACCGGGAGCAGCTGCGGGCCGACCTGCTGCGGGAGCGCGAGGCCCGGG-3'
Protein context (NP_003027.1, residues 666-686): QIEDLQVKLQ[His676Tyr]AEADREQLRA